The following is an entry in ClinVar:

NM_001130987.2(DYSF):c.2789A>C (p.Lys930Thr)

Gene: DYSF (dysferlin; plus strand). Cytogenetic location: 2p13.2.
Variant type: single nucleotide variant.
Coding change: c.2789A>C on transcript NM_001130987.2 (MANE Select); coding-DNA position 2789, A replaced by C.
Protein change: p.Lys930Thr; replaces lysine 930 with threonine.
Molecular consequence: missense variant.
Genome position (GRCh38, 1-based): chr2:71,568,263, A>C. VCF-style: chr2-71568263-A-C. GRCh37 (hg19) VCF-style: chr2-71795393-A-C.
Other names: c.2738A>C, p.Lys913Thr (NM_001130455.2, NM_001130983.2); c.2693A>C, p.Lys898Thr (NM_001130976.2, NM_001130977.2); c.2735A>C, p.Lys912Thr (NM_001130978.2, NM_003494.4); c.2828A>C, p.Lys943Thr (NM_001130979.2); c.2786A>C, p.Lys929Thr (NM_001130980.2, NM_001130981.2); c.2831A>C, p.Lys944Thr (NM_001130982.2); c.2696A>C, p.Lys899Thr (NM_001130984.2, NM_001130986.2); c.2789A>C, p.Lys930Thr (NM_001130985.2); short protein forms K899T, K898T, K913T, K929T, K930T, K943T, K912T, K944T.
Identifiers: ClinVar variation 2109209 (VCV002109209.4), dbSNP rs886056281, ClinGen allele CA347214797.

ClinVar aggregate classification (germline): Uncertain significance (1 of 4 stars; one submission).

Conditions:
Neuromuscular disease caused by qualitative or quantitative defects of dysferlin. Also called: Qualitative or quantitative defects of dysferlin; Dysferlinopathy. Identifiers: Orphanet 207073, MedGen C2931687, MONDO:0016145.

Submission:

Labcorp Genetics (formerly Invitae), Labcorp
Classification: Uncertain significance for Neuromuscular disease caused by qualitative or quantitative defects of dysferlin. Last evaluated: 2022-03-11. Review status: criteria provided, single submitter. Criteria: Invitae Variant Classification Sherloc (09022015). Collection method: clinical testing. Allele origin: germline.
Comment: In summary, the available evidence is currently insufficient to determine the role of this variant in disease. Therefore, it has been classified as a Variant of Uncertain Significance. Algorithms developed to predict the effect of missense changes on protein structure and function are either unavailable or do not agree on the potential impact of this missense change (SIFT: "Tolerated"; PolyPhen-2: "Probably Damaging"; Align-GVGD: "Class C0"). This variant has not been reported in the literature in individuals affected with DYSF-related conditions. This variant is not present in population databases (gnomAD no frequency). This sequence change replaces lysine, which is basic and polar, with threonine, which is neutral and polar, at codon 912 of the DYSF protein (p.Lys912Thr).